The following is an entry in ClinVar:

ClinVar aggregate classification (germline): Uncertain significance. Review status: criteria provided, multiple submitters, no conflicts (2 of 4 stars). 3 submissions from 3 submitters: Uncertain significance (2). 1 of the submissions does not count toward it. Last evaluated 2024-08-12.

Conditions:
Inborn genetic diseases. Identifiers: MedGen C0950123, MeSH D030342.
Intellectual developmental disorder, X-linked, syndromic, Hackmann-Di Donato type. Also called: MENTAL RETARDATION, X-LINKED, WITH MARFANOID HABITUS, 2. Identifiers: Orphanet 700325, MedGen C5393302, MONDO:0026733, OMIM 301039.
NKAP-related disorder. Also called: NKAP-related condition.

Allele frequency attached by ClinVar (database versions not stated): gnomAD exomes 0.00003; TOPMed 0.00003; ExAC 0.00004; gnomAD 0.00005; ESP Exome Variant Server 0.00009.
gnomAD v4.1: 31 of 1,143,398 alleles (0.0027%); highest among the groups gnomAD compares: African/African-American, 0.0037%; no homozygotes.

Submissions (3):

Ambry Genetics
Classification: Uncertain significance for Inborn genetic diseases. Last evaluated: 2024-08-12. Review status: criteria provided, single submitter. Criteria: Ambry Variant Classification Scheme 2023. Collection method: clinical testing. Allele origin: germline.

Baylor Genetics
Classification: Uncertain significance for Intellectual developmental disorder, X-linked, syndromic, Hackmann-Di Donato type. Last evaluated: 2021-04-28. Review status: criteria provided, single submitter. Criteria: ACMG Guidelines, 2015. Collection method: clinical testing. Allele origin: unknown.

PreventionGenetics, part of Exact Sciences
Classification: Uncertain significance for NKAP-related condition. Last evaluated: 2024-06-11. Review status: no assertion criteria provided. Collection method: clinical testing. Allele origin: germline. Not counted in ClinVar's aggregate classification.
Comment: The NKAP c.550A>G variant is predicted to result in the amino acid substitution p.Lys184Glu. To our knowledge, this variant has not been reported in the literature. This variant is reported in 0.0057% of alleles in individuals of African descent in gnomAD v2 (as displayed in the table above). However, in gnomAD v4 (available only on GRCh38), this variant is reported in 0.003713% of alleles in a subpopulation, including 8 homozygotes. This population data is not consistent with this variant being a primary cause of disease. Although we suspect this variant may be benign, at this time, the clinical significance is uncertain due to the absence of conclusive functional and genetic evidence.

NM_024528.4(NKAP):c.550A>G (p.Lys184Glu)

Gene: NKAP (NFKB activating protein; minus strand). Cytogenetic location: Xq24.
Variant type: single nucleotide variant.
Coding change: c.550A>G on transcript NM_024528.4 (MANE Select); coding-DNA position 550, A replaced by G.
Protein change: p.Lys184Glu; replaces lysine 184 with glutamic acid.
Molecular consequence: missense variant.
Genome position (GRCh38, 1-based): chrX:119,936,420, T>C on the plus strand (A>G on the coding strand, the complement: NKAP is on the minus strand). VCF-style: chrX-119936420-T-C. GRCh37 (hg19) VCF-style: chrX-119070383-T-C.
Other names: short protein forms K184E.
Identifiers: ClinVar variation 2442002 (VCV002442002.3), dbSNP rs373288484, ClinGen allele CA10503843.
Genomic context (GRCh38, chrX:119,936,420, plus strand): 5'-TTTTCGATGATTTTTTCTTTCTCCTTTTCTTGGACCTTTCTTTTGAACGGCTAGACTTCT[T>C]CTTTTTTTCTTCTAAGAAAGTACAAATTAAAAAATTATATTCTAAAAAACTATTTCTGAA-3'
Protein context (NP_078804.2, residues 174-194): SASTSEEEKK[Lys184Glu]KSSRSKERSK